The following is an entry in ClinVar:

ClinVar aggregate classification (germline): Uncertain significance. Review status: criteria provided, multiple submitters, no conflicts (2 of 4 stars). 2 submissions from 2 submitters: Uncertain significance (2). Last evaluated 2024-11-26.

Conditions:
DNMT3A-related disorder. Also called: DNMT3A-related disorders; DNMT3A-related condition.
Tatton-Brown-Rahman overgrowth syndrome. Also called: Tall stature-intellectual disability-facial dysmorphism syndrome; Tatton-Brown-Rahman syndrome. Identifiers: Orphanet 404443, MedGen C4014545, MONDO:0014382, OMIM 615879.

Allele frequency attached by ClinVar (database versions not stated): gnomAD exomes below 0.00001; TOPMed 0.00001.

Submissions (2):

PreventionGenetics, part of Exact Sciences
Classification: Uncertain significance for DNMT3A-related condition. Last evaluated: 2024-11-26. Review status: criteria provided, single submitter. Criteria: ACMG Guidelines, 2015. Collection method: clinical testing. Allele origin: germline.
Comment: The DNMT3A c.164G>A variant is predicted to result in the amino acid substitution p.Arg55His. To our knowledge, this variant has not been reported in the literature. This variant is reported in 0.00089% of alleles in individuals of European (Non-Finnish) descent in gnomAD. At this time, the clinical significance of this variant is uncertain due to the absence of conclusive functional and genetic evidence.

Labcorp Genetics (formerly Invitae), Labcorp
Classification: Uncertain significance for Tatton-Brown-Rahman overgrowth syndrome. Last evaluated: 2023-08-11. Review status: criteria provided, single submitter. Criteria: Invitae Variant Classification Sherloc (09022015). Collection method: clinical testing. Allele origin: germline.
Comment: This sequence change replaces arginine, which is basic and polar, with histidine, which is basic and polar, at codon 55 of the DNMT3A protein (p.Arg55His). The frequency data for this variant in the population databases is considered unreliable, as metrics indicate poor data quality at this position in the gnomAD database. In summary, the available evidence is currently insufficient to determine the role of this variant in disease. Therefore, it has been classified as a Variant of Uncertain Significance. An algorithm developed to predict the effect of missense changes on protein structure and function (PolyPhen-2) suggests that this variant is likely to be tolerated. This variant has not been reported in the literature in individuals affected with DNMT3A-related conditions.

NM_022552.5(DNMT3A):c.164G>A (p.Arg55His)

Gene: DNMT3A (DNA methyltransferase 3 alpha; minus strand). Cytogenetic location: 2p23.3.
Variant type: single nucleotide variant.
Coding change: c.164G>A on transcript NM_022552.5 (MANE Select); coding-DNA position 164, G replaced by A.
Protein change: p.Arg55His; replaces arginine 55 with histidine.
Molecular consequence: missense variant. On other transcripts: non-coding transcript variant (1).
Genome position (GRCh38, 1-based): chr2:25,300,152, C>T on the plus strand (G>A on the coding strand, the complement: DNMT3A is on the minus strand). VCF-style: chr2-25300152-C-T. GRCh37 (hg19) VCF-style: chr2-25523021-C-T.
Other names: c.164G>A, p.Arg55His (NM_001320892.2, NM_175629.2, NM_175630.1); short protein forms R55H.
Identifiers: ClinVar variation 2628975 (VCV002628975.5), dbSNP rs1457666600, ClinGen allele CA346251599.
Genomic context (GRCh38, chr2:25,300,152, plus strand): 5'-GTGTGTTGTGTGTGTGCACAGGAGGGTGTGTAGGATGTGACACTCACCGGGGGGTGCTTG[C>T]GCTTCCTCCCAGGCCGCCCCACCTTCCGTGCCGTGGTGCTGGGCTCTTGGCGCTCCTCCT-3'
Protein context (NP_072046.2, residues 45-65): ARKVGRPGRK[Arg55His]KHPPVESGDT